The following is an entry in ClinVar:

ClinVar aggregate classification (germline): Conflicting classifications of pathogenicity. Review status: criteria provided, conflicting classifications (1 of 4 stars). 2 submissions from 2 submitters: Uncertain significance (1); Likely benign (1). Last evaluated 2025-06-01.

Allele frequency attached by ClinVar (database versions not stated): ExAC 0.00010; 1000 Genomes Project 0.00020; 1000 Genomes Project 30x 0.00031; gnomAD 0.00063; TOPMed 0.00065; gnomAD exomes 0.00079.

Submissions (2):

CeGaT Center for Human Genetics Tuebingen
Classification: Likely benign. Last evaluated: 2025-06-01. Review status: criteria provided, single submitter. Criteria: CeGaT Center For Human Genetics Tuebingen Variant Classification Criteria Version 2. Collection method: clinical testing. Allele origin: germline. Affected: yes. Observed: 2 variant alleles.
Comment: DNHD1: PP2, BP4, BS2

Ambry Genetics
Classification: Uncertain significance. Last evaluated: 2024-01-23. Review status: criteria provided, single submitter. Criteria: Ambry Variant Classification Scheme 2023. Collection method: clinical testing. Allele origin: germline.

NM_144666.3(DNHD1):c.9065A>C (p.His3022Pro)

Gene: DNHD1 (dynein heavy chain domain 1; plus strand). Cytogenetic location: 11p15.4.
Variant type: single nucleotide variant.
Coding change: c.9065A>C on transcript NM_144666.3 (MANE Select); coding-DNA position 9065, A replaced by C.
Protein change: p.His3022Pro; replaces histidine 3022 with proline.
Molecular consequence: missense variant.
Genome position (GRCh38, 1-based): chr11:6,558,547, A>C. VCF-style: chr11-6558547-A-C. GRCh37 (hg19) VCF-style: chr11-6579777-A-C.
Other names: short protein forms H3022P.
Identifiers: ClinVar variation 2390997 (VCV002390997.12), dbSNP rs142389357, ClinGen allele CA5856356.
Genomic context (GRCh38, chr11:6,558,547, plus strand): 5'-TCCACCAGCAAGTGTGCAGCCACCTTCACCTGTTCTTCCTGATTGGAGATAAACAGGCCC[A>C]CAAGCAGCTGCCCTCCACCCTTTTCCTGAGGCTCCTTCAACTGGCCACTGCCAGCATTGA-3'
Protein context (NP_653267.2, residues 3012-3032): LFFLIGDKQA[His3022Pro]KQLPSTLFLR